The following is an entry in ClinVar:

ClinVar aggregate classification (germline): Pathogenic/Likely pathogenic. Review status: criteria provided, multiple submitters, no conflicts (2 of 4 stars). 9 submissions from 9 submitters: Pathogenic (3); Likely pathogenic (4). 2 of the submissions do not count toward it. Last evaluated 2026-01-29.

Conditions:
SHORT-RIB THORACIC DYSPLASIA 19 WITHOUT POLYDACTYLY.
Short-rib thoracic dysplasia 19 with or without polydactyly. Identifiers: MedGen C4693524, MONDO:0033485, OMIM 617895.
IFT81-related disorders.
IFT81-related disorder. Also called: IFT81-related condition.
Jeune thoracic dystrophy. Also called: Short-rib thoracic dysplasia; Jeune syndrome; Infantile thoracic dystrophy; Thoracic pelvic phalangeal dystrophy; Jeune's syndrome; Chondroectodermal dysplasia-like syndrome. Identifiers: Orphanet 474, MedGen C0265275, MONDO:0018770.
Retinal dystrophy. Also called: Inherited retinal dystrophy. Identifiers: Orphanet 71862, MedGen C0854723, MeSH D058499, MONDO:0019118, HP:0000556.

Allele frequency attached by ClinVar (database versions not stated): ExAC 0.00002; gnomAD exomes 0.00003 and 0.00008; gnomAD 0.00007 and 0.00008; TOPMed 0.00007; ESP Exome Variant Server 0.00009.
gnomAD v4.1: 119 of 1,578,790 alleles (0.0075%); highest among the groups gnomAD compares: Middle Eastern, 0.019%; no homozygotes.

Submissions (9):

PreventionGenetics, part of Exact Sciences
Classification: Pathogenic for IFT81-related condition. Last evaluated: 2026-01-29. Review status: criteria provided, single submitter. Criteria: ACMG Guidelines, 2015. Collection method: clinical testing. Allele origin: germline.
Comment: The IFT81 c.1534C>T variant is predicted to result in premature protein termination (p.Arg512*). This variant has been reported with a second IFT81 variant in an individual with asphyxiating thoracic dystrophy; moreover, an in vitro experimental study using patient derived chondrocytes demonstrated reduced IFT81 mRNA levels and near complete loss of IFT81 protein (Duran et al. 2016. PubMed ID: 27666822). This variant is also reported to be pathogenic with skeletal disorders (MacCarrick et al. 2024. PubMed ID: 38702915). This variant is reported in 0.0064% of alleles in individuals of European (non-Finnish) descent in gnomAD. Nonsense variants in IFT81 are expected to be pathogenic. This variant is interpreted as pathogenic.

Labcorp Genetics (formerly Invitae), Labcorp
Classification: Pathogenic. Last evaluated: 2025-10-07. Review status: criteria provided, single submitter. Criteria: Invitae Variant Classification Sherloc (09022015). Collection method: clinical testing. Allele origin: germline.
Comment: This sequence change creates a premature translational stop signal (p.Arg512*) in the IFT81 gene. It is expected to result in an absent or disrupted protein product. Loss-of-function variants in IFT81 are known to be pathogenic (PMID: 26275418, 27666822). This variant is present in population databases (rs200335504, gnomAD 0.007%). This premature translational stop signal has been observed in individual(s) with clinical features of short-rib thoracic dystrophy (PMID: 27666822). ClinVar contains an entry for this variant (Variation ID: 495121). For these reasons, this variant has been classified as Pathogenic.

Variantyx, Inc.
Classification: Likely pathogenic for Short-rib thoracic dysplasia 19 with or without polydactyly. Last evaluated: 2025-03-20. Review status: criteria provided, single submitter. Criteria: Variantyx Assertion Criteria 2022. Collection method: clinical testing. Allele origin: germline.
Comment: This is a nonsense variant in the IFT81 gene (OMIM: 605489). Pathogenic variants in this gene have been associated with autosomal recessive short-rib thoracic dysplasia 19 with or without polydactyly. This variant introduces a premature termination codon in exon 14 out of 19. It is expected to result in loss of function, which is a known disease mechanism for IFT81 in this disorder (PMID: 27666822) (PVS1). This variant has a 0.0095% maximum allele frequency in non-founder control populations (PM2_Supporting). Based on the current evidence, this variant is classified as likely pathogenic for autosomal recessive short-rib thoracic dysplasia 19 with or without polydactyly.

Blueprint Genetics
Classification: Likely pathogenic for IFT81-related disorders. Last evaluated: 2024-07-18. Review status: criteria provided, single submitter. Criteria: ACMG Guidelines, 2015. Collection method: clinical testing. Allele origin: germline. Affected: yes. Observed: 5 variant alleles.

Revvity Omics, Revvity
Classification: Likely pathogenic for Short-rib thoracic dysplasia 19 with or without polydactyly. Last evaluated: 2023-01-30. Review status: criteria provided, single submitter. Criteria: ACMG Guidelines, 2015. Collection method: clinical testing. Allele origin: germline.

Institute of Human Genetics, Univ. Regensburg, Univ. Regensburg
Classification: Pathogenic for Retinal dystrophy. Last evaluated: 2023-01-01. Review status: criteria provided, single submitter. Criteria: ACMG Guidelines, 2015. Collection method: clinical testing. Allele origin: germline. Affected: yes.

SIB Swiss Institute of Bioinformatics
Classification: Likely pathogenic for Short-rib thoracic dysplasia 19 with or without polydactyly. Last evaluated: 2018-10-15. Review status: criteria provided, single submitter. Criteria: ACMG Guidelines, 2015. Collection method: curation. Allele origin: unknown.
Comment: This variant is interpreted as Likely Pathogenic, for Short-rib thoracic dysplasia 19 with or without polydactyly, autosomal recessive. The following ACMG Tag(s) were applied: PM2 => Absent from controls (or at extremely low frequency if recessive) in Exome Sequencing Project, 1000 Genomes Project, or Exome Aggregation Consortium. PS3 => Well-established functional studies show a deleterious effect (PubMed 27666822). PVS1-Moderate => PVS1 downgraded in strength to Moderate.

OMIM
Classification: Pathogenic for SHORT-RIB THORACIC DYSPLASIA 19 WITHOUT POLYDACTYLY. Last evaluated: 2021-10-08. Review status: no assertion criteria provided. Collection method: literature only. Allele origin: germline. Not counted in ClinVar's aggregate classification.

University of Washington Center for Mendelian Genomics, University of Washington
Classification: Likely pathogenic for Jeune Syndrome. Review status: no assertion criteria provided. Collection method: research. Allele origin: inherited. Affected: yes. Observed: 1 compound heterozygote. Not counted in ClinVar's aggregate classification.

Literature cited by the submitters: PubMed 26275418 (cited by Labcorp Genetics (formerly Invitae), Labcorp); PubMed 27666822 (cited by 5 submitters); PubMed 3196484 (cited by Institute of Human Genetics, Univ. Regensburg, Univ. Regensburg).

NM_014055.4(IFT81):c.1534C>T (p.Arg512Ter)

Gene: IFT81 (intraflagellar transport 81; plus strand). Cytogenetic location: 12q24.11.
Variant type: single nucleotide variant.
Coding change: c.1534C>T on transcript NM_014055.4 (MANE Select); coding-DNA position 1534, C replaced by T.
Protein change: p.Arg512Ter; replaces arginine 512 with a stop codon.
Molecular consequence: nonsense. On other transcripts: non-coding transcript variant (4).
Genome position (GRCh38, 1-based): chr12:110,192,683, C>T. VCF-style: chr12-110192683-C-T. GRCh37 (hg19) VCF-style: chr12-110630488-C-T.
Other names: IFT81, ARG512TER (rs200335504); c.604C>T, p.Arg202Ter (NM_001347948.2, NM_001347947.2); c.1534C>T, p.Arg512Ter (NM_001143779.2); short protein forms R512*, R202*.
Identifiers: ClinVar variation 495121 (VCV000495121.14), dbSNP rs200335504, ClinGen allele CA6783390.